The following is an entry in ClinVar:

ClinVar aggregate classification (germline): Uncertain significance. Review status: criteria provided, multiple submitters, no conflicts (2 of 4 stars). 2 submissions from 2 submitters: Uncertain significance (2). Last evaluated 2026-03-04.

Conditions:
Hereditary cancer-predisposing syndrome. Also called: Hereditary Cancer Syndrome; Hereditary neoplastic syndrome; Neoplastic Syndromes, Hereditary; Tumor predisposition. Identifiers: Orphanet 140162, MedGen C0027672, MeSH D009386, MONDO:0015356.

Submissions (2):

Ambry Genetics
Classification: Uncertain significance for Hereditary cancer-predisposing syndrome. Last evaluated: 2026-03-04. Review status: criteria provided, single submitter. Criteria: Ambry Variant Classification Scheme 2023. Collection method: clinical testing. Allele origin: germline.
Comment: The c.2283+1G>A intronic variant results from a G to A substitution one nucleotide after coding exon 19 of the EGFR gene. Variants that disrupt the canonical splice site are expected to result in aberrant splicing. In silico splice site analysis predicts that this alteration will weaken the native splice donor site. A resulting transcript is predicted to be in-frame and is not expected to trigger nonsense-mediated mRNAdecay; although, direct evidence is unavailable. This nucleotide position is highly conserved in available vertebrate species. Based on the available evidence, the clinical significance of this variant remains unclear.

Laboratory for Molecular Medicine, Mass General Brigham Personalized Medicine
Classification: Uncertain significance. Last evaluated: 2013-03-11. Review status: criteria provided, single submitter. Criteria: LMM Criteria. Collection method: clinical testing. Allele origin: somatic. Observed: 1 variant allele.

NM_005228.5(EGFR):c.2283+1G>A

Gene: EGFR (epidermal growth factor receptor; plus strand). Cytogenetic location: 7p11.2.
Variant type: single nucleotide variant.
Coding change: c.2283+1G>A on transcript NM_005228.5 (MANE Select); the canonical splice donor site of the intron after coding-DNA position 2283, G replaced by A.
Molecular consequence: splice donor variant.
Genome position (GRCh38, 1-based): chr7:55,174,821, G>A. VCF-style: chr7-55174821-G-A. GRCh37 (hg19) VCF-style: chr7-55242514-G-A.
Other names: c.2148+1G>A (NM_001346899.2, NM_001346897.2); c.1482+1G>A (NM_001346941.2); c.2283+1G>A (NM_001346898.2); c.2124+1G>A (NM_001346900.2).
Identifiers: ClinVar variation 45246 (VCV000045246.5), dbSNP rs397517104, ClinGen allele CA135831.